The following is an entry in ClinVar:

NM_001376.5(DYNC1H1):c.7189C>T (p.Arg2397Trp)

Gene: DYNC1H1 (dynein cytoplasmic 1 heavy chain 1; plus strand). Cytogenetic location: 14q32.31.
Variant type: single nucleotide variant.
Coding change: c.7189C>T on transcript NM_001376.5 (MANE Select); coding-DNA position 7189, C replaced by T.
Protein change: p.Arg2397Trp; replaces arginine 2397 with tryptophan.
Molecular consequence: missense variant.
Genome position (GRCh38, 1-based): chr14:102,015,279, C>T. VCF-style: chr14-102015279-C-T. GRCh37 (hg19) VCF-style: chr14-102481616-C-T.
Other names: short protein forms R2397W.
Identifiers: ClinVar variation 646587 (VCV000646587.8), dbSNP rs1595616794, ClinGen allele CA391060370.

ClinVar aggregate classification (germline): Uncertain significance (1 of 4 stars; one submission).

Conditions:
Charcot-Marie-Tooth disease axonal type 2O. Also called: Charcot-Marie-Tooth Neuropathy Type 2O; CHARCOT-MARIE-TOOTH NEUROPATHY, AXONAL, TYPE 2O; CHARCOT-MARIE-TOOTH DISEASE, AXONAL, AUTOSOMAL DOMINANT, TYPE 2O; Charcot-Marie-Tooth disease, axonal, type 20. Identifiers: Orphanet 284232, MedGen C3280220, MONDO:0013644, OMIM 614228.

Allele frequency attached by ClinVar (database versions not stated): gnomAD exomes below 0.00001.
gnomAD v4.1: 1 of 1,614,186 alleles (0.000062%); highest among the groups gnomAD compares: Non-Finnish European, 0.000085%; no homozygotes.

Submission:

Labcorp Genetics (formerly Invitae), Labcorp
Classification: Uncertain significance for Charcot-Marie-Tooth disease axonal type 2O. Last evaluated: 2022-08-17. Review status: criteria provided, single submitter. Criteria: Invitae Variant Classification Sherloc (09022015). Collection method: clinical testing. Allele origin: germline.
Comment: In summary, the available evidence is currently insufficient to determine the role of this variant in disease. Therefore, it has been classified as a Variant of Uncertain Significance. This sequence change replaces arginine, which is basic and polar, with tryptophan, which is neutral and slightly polar, at codon 2397 of the DYNC1H1 protein (p.Arg2397Trp). This variant is not present in population databases (gnomAD no frequency). This variant has not been reported in the literature in individuals affected with DYNC1H1-related conditions. ClinVar contains an entry for this variant (Variation ID: 646587). Advanced modeling of protein sequence and biophysical properties (such as structural, functional, and spatial information, amino acid conservation, physicochemical variation, residue mobility, and thermodynamic stability) performed at Invitae indicates that this missense variant is not expected to disrupt DYNC1H1 protein function.